The following is an entry in ClinVar:

NM_000257.4(MYH7):c.4301G>A (p.Arg1434His)

Genes: MHRT (myosin heavy chain associated RNA transcript; plus strand), MYH7 (myosin heavy chain 7; minus strand). Cytogenetic location: 14q11.2.
Variant type: single nucleotide variant.
Coding change: c.4301G>A on transcript NM_000257.4 (MANE Select); coding-DNA position 4301, G replaced by A.
Protein change: p.Arg1434His; replaces arginine 1434 with histidine.
Molecular consequence: missense variant. On other transcripts: non-coding transcript variant (1).
Genome position (GRCh38, 1-based): chr14:23,417,555, C>T on the plus strand (G>A on the coding strand, the complement: MYH7 is on the minus strand). VCF-style: chr14-23417555-C-T. GRCh37 (hg19) VCF-style: chr14-23886764-C-T.
Other names: c.4301G>A (NM_000257.2); short protein forms R1434H.
Identifiers: ClinVar variation 927214 (VCV000927214.20), dbSNP rs780625785, ClinGen allele CA041602.

ClinVar aggregate classification (germline): Conflicting classifications of pathogenicity. Review status: criteria provided, conflicting classifications (1 of 4 stars). 7 submissions from 7 submitters: Likely pathogenic (1); Uncertain significance (5). 1 of the submissions does not count toward it. Last evaluated 2025-06-06.

Conditions:
Cardiovascular phenotype. Identifiers: MedGen CN230736.
Cardiomyopathy (CMYO). Also called: Cardiomyopathies. Identifiers: Orphanet 167848, MedGen C0878544, MONDO:0004994, HP:0001638. Inheritance: Various modes of inheritance.
Familial isolated arrhythmogenic right ventricular dysplasia. Identifiers: Orphanet 217656, MedGen C4274968, MONDO:0016342.
Hypertrophic cardiomyopathy. Also called: HYPERTROPHIC MYOCARDIOPATHY. Identifiers: Orphanet 217569, MedGen C0007194, MeSH D002312, MONDO:0005045, HP:0001639.

Allele frequency attached by ClinVar (database versions not stated): TOPMed below 0.00001; gnomAD 0.00001 and 0.00002; gnomAD exomes 0.00001; ExAC 0.00002.

Submissions (7):

GeneDx
Classification: Uncertain significance. Last evaluated: 2025-06-06. Review status: criteria provided, single submitter. Criteria: GeneDx Variant Classification Process June 2021. Collection method: clinical testing. Allele origin: germline. Affected: yes.
Comment: Not observed at significant frequency in large population cohorts (gnomAD); In silico analysis supports that this missense variant has a deleterious effect on protein structure/function; Has not been previously published as pathogenic or benign to our knowledge

Labcorp Genetics (formerly Invitae), Labcorp
Classification: Likely pathogenic for Hypertrophic cardiomyopathy. Last evaluated: 2025-04-14. Review status: criteria provided, single submitter. Criteria: Invitae Variant Classification Sherloc (09022015). Collection method: clinical testing. Allele origin: germline.
Comment: This sequence change replaces arginine, which is basic and polar, with histidine, which is basic and polar, at codon 1434 of the MYH7 protein (p.Arg1434His). This variant is present in population databases (rs780625785, gnomAD 0.003%). This missense change has been observed in individual(s) with dilated cardiomyopathy (internal data). ClinVar contains an entry for this variant (Variation ID: 927214). Invitae Evidence Modeling of protein sequence and biophysical properties (such as structural, functional, and spatial information, amino acid conservation, physicochemical variation, residue mobility, and thermodynamic stability) indicates that this missense variant is expected to disrupt MYH7 protein function with a positive predictive value of 95%. This variant disrupts the p.Arg1434 amino acid residue in MYH7. Other variant(s) that disrupt this residue have been determined to be pathogenic (PMID: 21750094, 24119082, 27519903, 27532257). This suggests that this residue is clinically significant, and that variants that disrupt this residue are likely to be disease-causing. In summary, the currently available evidence indicates that the variant is pathogenic, but additional data are needed to prove that conclusively. Therefore, this variant has been classified as Likely Pathogenic.

Ambry Genetics
Classification: Uncertain significance for Cardiovascular phenotype. Last evaluated: 2024-12-31. Review status: criteria provided, single submitter. Criteria: Ambry Variant Classification Scheme 2023. Collection method: clinical testing. Allele origin: germline.
Comment: The p.R1434H variant (also known as c.4301G>A), located in coding exon 29 of the MYH7 gene, results from a G to A substitution at nucleotide position 4301. The arginine at codon 1434 is replaced by histidine, an amino acid with highly similar properties. This variant was reported in an individual in a pediatric cardiomyopathy cohort, but clinical details were limited (Kurzlechner LM et al. J Pers Med, 2022 Apr;12:[ePub ahead of print]). This amino acid position is highly conserved in available vertebrate species. In addition, the in silico prediction for this alteration is inconclusive. Based on the available evidence, the clinical significance of this variant remains unclear.

Blueprint Genetics
Classification: Uncertain significance. Last evaluated: 2024-01-30. Review status: criteria provided, single submitter. Criteria: ACMG Guidelines, 2015. Collection method: clinical testing. Allele origin: germline.

All of Us Research Program, National Institutes of Health
Classification: Uncertain significance for Cardiomyopathy. Last evaluated: 2023-11-30. Review status: criteria provided, single submitter. Criteria: ACMG Guidelines, 2015. Collection method: clinical testing. Allele origin: germline. Inheritance: Autosomal dominant inheritance. Observed: 3 variant alleles, 3 heterozygotes.
Comment: This missense variant replaces arginine with histidine at codon 1434 of the MYH7 protein. Computational prediction suggests that this variant may have a deleterious impact on protein structure and function (internally defined REVEL score threshold >= 0.7, PMID: 27666373). To our knowledge, functional studies have not been reported for this variant. This variant has not been reported in individuals affected with cardiovascular disorders in the literature. This variant has been identified in 3/251442 chromosomes in the general population by the Genome Aggregation Database (gnomAD). The available evidence is insufficient to determine the role of this variant in disease conclusively. Therefore, this variant is classified as a Variant of Uncertain Significance.

This study involves interpretation of variants in research participants for the purpose of population health screening. Participant phenotype was not available at the time of variant classification. Additional details can be found in publication PMID: 35346344, PMCID: PMC8962531

Color Diagnostics, LLC DBA Color Health
Classification: Uncertain significance for Cardiomyopathy. Last evaluated: 2023-09-15. Review status: criteria provided, single submitter. Criteria: ACMG Guidelines, 2015. Collection method: clinical testing. Allele origin: germline.
Comment: This missense variant replaces arginine with histidine at codon 1434 of the MYH7 protein. Computational prediction suggests that this variant may have a deleterious impact on protein structure and function (internally defined REVEL score threshold >= 0.7, PMID: 27666373). To our knowledge, functional studies have not been reported for this variant. This variant has not been reported in individuals affected with cardiovascular disorders in the literature. This variant has been identified in 3/251442 chromosomes in the general population by the Genome Aggregation Database (gnomAD). The available evidence is insufficient to determine the role of this variant in disease conclusively. Therefore, this variant is classified as a Variant of Uncertain Significance.

Department of Genetics, Instituto Nacional de Ciencias Medicas y Nutricion Salvador Zubiran
Classification: Likely pathogenic for Familial isolated arrhythmogenic right ventricular dysplasia. Review status: no assertion criteria provided. Collection method: clinical testing. Allele origin: unknown. Inheritance: Autosomal dominant inheritance. Affected: yes. Observed: 2 variant alleles, 2 heterozygotes. Not counted in ClinVar's aggregate classification.

Literature cited by the submitters: PubMed 21750094 (cited by Labcorp Genetics (formerly Invitae), Labcorp); PubMed 24119082 (cited by Labcorp Genetics (formerly Invitae), Labcorp); PubMed 27519903 (cited by Labcorp Genetics (formerly Invitae), Labcorp); PubMed 27532257 (cited by Labcorp Genetics (formerly Invitae), Labcorp); PubMed 35629155 (cited by Ambry Genetics); DOI 10.1186/s13073-021-00835-9 (cited by Department of Genetics, Instituto Nacional de Ciencias Medicas y Nutricion Salvador Zubiran).